The following is an entry in ClinVar:

ClinVar aggregate classification (germline): Benign (1 of 4 stars; one submission).

Allele frequency attached by ClinVar (database versions not stated): 1000 Genomes Project 0.99341; 1000 Genomes Project 30x 0.99360; TOPMed 0.99378; gnomAD 0.99404 and 0.99440.
gnomAD v4.1: 151,375 of 152,216 alleles (99%); highest among the groups gnomAD compares: Middle Eastern, 100%; 75,275 homozygotes.

Submission:

GeneDx
Classification: Benign. Last evaluated: 2018-06-14. Review status: criteria provided, single submitter. Criteria: GeneDx Variant Classification (06012015). Collection method: clinical testing. Allele origin: germline. Affected: yes.
Comment: This variant is considered likely benign or benign based on one or more of the following criteria: it is a conservative change, it occurs at a poorly conserved position in the protein, it is predicted to be benign by multiple in silico algorithms, and/or has population frequency not consistent with disease.

NM_020297.4(ABCC9):c.2506-332T>C

Gene: ABCC9 (ATP binding cassette subfamily C member 9; minus strand). Cytogenetic location: 12p12.1.
Variant type: single nucleotide variant.
Coding change: c.2506-332T>C on transcript NM_020297.4 (MANE Select); 332 bases into the intron before coding-DNA position 2506, T replaced by C.
Molecular consequence: intron variant.
Genome position (GRCh38, 1-based): chr12:21,852,837, A>G on the plus strand (T>C on the coding strand, the complement: ABCC9 is on the minus strand). VCF-style: chr12-21852837-A-G. GRCh37 (hg19) VCF-style: chr12-22005771-A-G.
Other names: c.1639-332T>C (NM_001377274.1); c.2506-332T>C (NM_005691.4, NM_001377273.1).
Identifiers: ClinVar variation 681190 (VCV000681190.1), dbSNP rs704184, ClinGen allele CA233600171.
Genomic context (GRCh38, chr12:21,852,837, plus strand): 5'-AAATAAAAAAGGGCCAGGAGAAAAACAAACAATGAAATAAAGTTAGAAGTGCCTGCAGGC[A>G]AAAAGAAAAACAAACTTTGTAAAATTATTTTAAAAGTAAATAACACTATTCAAAATGTTT-3'